The following is an entry in ClinVar:

ClinVar aggregate classification (germline): Uncertain significance. Review status: criteria provided, multiple submitters, no conflicts (2 of 4 stars). 2 submissions from 2 submitters: Uncertain significance (2). Last evaluated 2024-09-18.

gnomAD v4.1: 53 of 1,613,712 alleles (0.0033%); highest among the groups gnomAD compares: Non-Finnish European, 0.002%; no homozygotes.

Submissions (2):

Women's Health and Genetics/Laboratory Corporation of America, LabCorp
Classification: Uncertain significance. Last evaluated: 2024-09-18. Review status: criteria provided, single submitter. Criteria: LabCorp Variant Classification Summary - May 2015. Collection method: clinical testing. Allele origin: germline.
Comment: Variant summary: BMP1 c.1148G>A (p.Arg383Gln) results in a conservative amino acid change located in the CUB domain (IPR000859) of the encoded protein sequence. Three of five in-silico tools predict a benign effect of the variant on protein function. The variant allele was found at a frequency of 2.4e-05 in 251346 control chromosomes. The available data on variant occurrences in the general population are insufficient to allow any conclusion about variant significance. c.1148G>A has been reported in the literature in the compound heterozygous state in at least 1 individuals affected with Osteogenesis Imperfecta (example, Pollitt_2016), who carried a pathogenic variant in trans. These data do not allow any conclusion about variant significance. To our knowledge, no experimental evidence demonstrating an impact on protein function has been reported. The following publication has been ascertained in the context of this evaluation (PMID: 27576954). No submitters have cited clinical-significance assessments for this variant to ClinVar. Based on the evidence outlined above, the variant was classified as uncertain significance.

Blueprint Genetics
Classification: Uncertain significance. Last evaluated: 2024-03-14. Review status: criteria provided, single submitter. Criteria: ACMG Guidelines, 2015. Collection method: clinical testing. Allele origin: germline.

Literature cited by the submitters: PubMed 27576954 (cited by Women's Health and Genetics/Laboratory Corporation of America, LabCorp).

NM_006129.5(BMP1):c.1148G>A (p.Arg383Gln)

Gene: BMP1 (bone morphogenetic protein 1; plus strand). Cytogenetic location: 8p21.3.
Variant type: single nucleotide variant.
Coding change: c.1148G>A on transcript NM_006129.5 (MANE Select); coding-DNA position 1148, G replaced by A.
Protein change: p.Arg383Gln; replaces arginine 383 with glutamine.
Molecular consequence: missense variant. On other transcripts: non-coding transcript variant (2).
Genome position (GRCh38, 1-based): chr8:22,192,119, G>A. VCF-style: chr8-22192119-G-A. GRCh37 (hg19) VCF-style: chr8-22049632-G-A.
Other names: c.1148G>A, p.Arg383Gln (NM_001199.4); short protein forms R383Q.
Identifiers: ClinVar variation 3375403 (VCV003375403.2).
Genomic context (GRCh38, chr8:22,192,119, plus strand): 5'-ACTTCACGTCCCTGGACCTGTACCGCAGCCGCCTGTGCTGGTACGACTATGTGGAGGTCC[G>A]AGATGGCTTCTGGAGGAAGGCGCCCCTCCGAGGTAACGGCACCAGCCACCCCCTGCCCCC-3'
Protein context (NP_006120.1, residues 373-393): RLCWYDYVEV[Arg383Gln]DGFWRKAPLR